The following is an entry in ClinVar:

ClinVar aggregate classification (germline): Uncertain significance. Review status: criteria provided, multiple submitters, no conflicts (2 of 4 stars). 2 submissions from 2 submitters: Uncertain significance (2). Last evaluated 2024-11-19.

gnomAD v4.1: 21 of 1,612,634 alleles (0.0013%); highest among the groups gnomAD compares: African/African-American, 0.027%; no homozygotes.

Submissions (2):

Labcorp Genetics (formerly Invitae), Labcorp
Classification: Uncertain significance. Last evaluated: 2024-11-19. Review status: criteria provided, single submitter. Criteria: Invitae Variant Classification Sherloc (09022015). Collection method: clinical testing. Allele origin: germline.
Comment: This sequence change replaces histidine, which is basic and polar, with leucine, which is neutral and non-polar, at codon 275 of the NDUFA9 protein (p.His275Leu). This variant is present in population databases (rs756650027, gnomAD 0.01%). This variant has not been reported in the literature in individuals affected with NDUFA9-related conditions. An algorithm developed to predict the effect of missense changes on protein structure and function (PolyPhen-2) suggests that this variant is likely to be tolerated. In summary, the available evidence is currently insufficient to determine the role of this variant in disease. Therefore, it has been classified as a Variant of Uncertain Significance.

GeneDx
Classification: Uncertain significance. Last evaluated: 2024-10-22. Review status: criteria provided, single submitter. Criteria: GeneDx Variant Classification Process June 2021. Collection method: clinical testing. Allele origin: germline. Affected: yes.
Comment: Not observed at significant frequency in large population cohorts (gnomAD); In silico analysis supports that this missense variant has a deleterious effect on protein structure/function; Has not been previously published as pathogenic or benign to our knowledge

NM_005002.5(NDUFA9):c.824A>T (p.His275Leu)

Gene: NDUFA9 (NADH:ubiquinone oxidoreductase subunit A9; plus strand). Cytogenetic location: 12p13.32.
Variant type: single nucleotide variant.
Coding change: c.824A>T on transcript NM_005002.5 (MANE Select); coding-DNA position 824, A replaced by T.
Protein change: p.His275Leu; replaces histidine 275 with leucine.
Molecular consequence: missense variant.
Genome position (GRCh38, 1-based): chr12:4,682,228, A>T. VCF-style: chr12-4682228-A-T. GRCh37 (hg19) VCF-style: chr12-4791394-A-T.
Other names: short protein forms H275L.
Identifiers: ClinVar variation 3631729 (VCV003631729.3).
Genomic context (GRCh38, chr12:4,682,228, plus strand): 5'-CGTGTAATTGAAAGAACTGTGTATTGTCTTTTTATAGTCCCAGTCGGTACCTCCTTTTCC[A>T]CCTGGTGAAGTACATCTTTGCTGTGGCTCACAGATTGTTCCTCCCATTCCCCTTGCCGCT-3'
Protein context (NP_004993.1, residues 265-285): FVGPSRYLLF[His275Leu]LVKYIFAVAH